The following is an entry in ClinVar:

NM_004208.4(AIFM1):c.98_103del (p.Arg33_Leu34del)

Genes: AIFM1 (apoptosis inducing factor mitochondria associated 1; minus strand), RAB33A (RAB33A, member RAS oncogene family; plus strand), LOC130068679 (ATAC-STARR-seq lymphoblastoid active region 29939; plus strand). Cytogenetic location: Xq26.1.
Variant type: Deletion.
Coding change: c.98_103del on transcript NM_004208.4 (MANE Select); coding-DNA positions 98 to 103, 6 bases deleted (GGCTCC; older notation c.98_103delGGCTCC).
Protein change: p.Arg33_Leu34del.
Molecular consequence: inframe deletion. On other transcripts: non-coding transcript variant (1).
Genome position (GRCh38, 1-based): chrX:130,165,554-130,165,559, GGAGCC deleted on the plus strand (GGCTCC on the coding strand, the reverse complement: AIFM1 is on the minus strand); deleting any 6 consecutive bases within chrX:130,165,554-130,165,561 gives the same sequence; the c. name uses the placement nearest the transcript's 3' end. VCF-style (leftmost placement, unchanged base first): chrX-130165553-GGGAGCC-G. GRCh37 (hg19) VCF-style: chrX-129299527-GGGAGCC-G.
Other names: c.98_103del, p.Arg33_Leu34del (NM_001130847.4, NM_145812.3).
Identifiers: ClinVar variation 2127367 (VCV002127367.4), dbSNP rs2523191297, ClinGen allele CA2580101499.

ClinVar aggregate classification (germline): Uncertain significance (1 of 4 stars; one submission).

Conditions:
Combined oxidative phosphorylation deficiency. Identifiers: MedGen C4540031, MONDO:0000732.
Charcot-Marie-Tooth Neuropathy X. Identifiers: MedGen CN118851.

Submission:

Labcorp Genetics (formerly Invitae), Labcorp
Classification: Uncertain significance for Charcot-Marie-Tooth Neuropathy X; Combined oxidative phosphorylation deficiency. Last evaluated: 2024-10-29. Review status: criteria provided, single submitter. Criteria: Invitae Variant Classification Sherloc (09022015). Collection method: clinical testing. Allele origin: germline.
Comment: This variant, c.98_103del, results in the deletion of 2 amino acid(s) of the AIFM1 protein (p.Arg33_Leu34del), but otherwise preserves the integrity of the reading frame. This variant is not present in population databases (gnomAD no frequency). This variant has not been reported in the literature in individuals affected with AIFM1-related conditions. ClinVar contains an entry for this variant (Variation ID: 2127367). Experimental studies and prediction algorithms are not available or were not evaluated, and the functional significance of this variant is currently unknown. In summary, the available evidence is currently insufficient to determine the role of this variant in disease. Therefore, it has been classified as a Variant of Uncertain Significance.